The following is an entry in ClinVar:

ClinVar aggregate classification (germline): Uncertain significance (1 of 4 stars; one submission).

Conditions:
Inborn genetic diseases. Identifiers: MedGen C0950123, MeSH D030342.

Submission:

Ambry Genetics
Classification: Uncertain significance for Inborn genetic diseases. Last evaluated: 2026-04-28. Review status: criteria provided, single submitter. Criteria: Ambry Variant Classification Scheme 2023. Collection method: clinical testing. Allele origin: germline.
Comment: The c.1311C>G (p.H437Q) alteration is located in exon 9 (coding exon 9) of the DNA2 gene. This alteration results from a C to G substitution at nucleotide position 1311, causing the histidine (H) at amino acid position 437 to be replaced by a glutamine (Q). Based on data from gnomAD, the G allele has an overall frequency of <0.001% (1/239250) total alleles studied. The highest observed frequency was 0.001% (1/107734) of European (non-Finnish) alleles. Based on insufficient or conflicting evidence, the clinical significance of this alteration remains unclear.

NM_001080449.3(DNA2):c.1311C>G (p.His437Gln)

Gene: DNA2 (DNA replication helicase/nuclease 2; minus strand). Cytogenetic location: 10q21.3.
Variant type: single nucleotide variant.
Coding change: c.1311C>G on transcript NM_001080449.3 (MANE Select); coding-DNA position 1311, C replaced by G.
Protein change: p.His437Gln; replaces histidine 437 with glutamine.
Molecular consequence: missense variant. On other transcripts: non-coding transcript variant (1).
Genome position (GRCh38, 1-based): chr10:68,443,021, G>C on the plus strand (C>G on the coding strand, the complement: DNA2 is on the minus strand). VCF-style: chr10-68443021-G-C. GRCh37 (hg19) VCF-style: chr10-70202778-G-C.
Other names: short protein forms H437Q.
Identifiers: ClinVar variation 4869896 (VCV004869896.1).